The following is an entry in ClinVar:

ClinVar aggregate classification (germline): Benign (1 of 4 stars; one submission).

Conditions:
Familial colorectal cancer type X. Identifiers: Orphanet 440437, MedGen C3896578, MONDO:0018604.

gnomAD v4.1: 3 of 1,551,508 alleles (0.00019%); highest among the groups gnomAD compares: African/African-American, 0.0041%; no homozygotes.

Submission:

Myriad Genetics, Inc.
Classification: Benign for Familial colorectal cancer type X. Last evaluated: 2026-08-05. Review status: criteria provided, single submitter. Criteria: Myriad Autosomal Dominant, Autosomal Recessive and X-Linked Classification Criteria (2023). Collection method: clinical testing. Allele origin: unknown.
Comment: This variant is considered benign. This variant is a silent/synonymous amino acid change and it is not expected to impact splicing.

NM_001146227.3(RPS20):c.428A>G (p.Ter143=)

Gene: RPS20 (ribosomal protein S20; minus strand). Cytogenetic location: 8q12.1.
Variant type: single nucleotide variant.
Coding change: c.428A>G on transcript NM_001146227.3; coding-DNA position 428, A replaced by G.
Protein change: p.Ter143=.
Molecular consequence: synonymous variant.
Genome position (GRCh38, 1-based): chr8:56,069,739, T>C on the plus strand (A>G on the coding strand, the complement: RPS20 is on the minus strand). VCF-style: chr8-56069739-T-C. GRCh37 (hg19) VCF-style: chr8-56982298-T-C.
Identifiers: ClinVar variation 5042226 (VCV005042226.1).